The following is an entry in ClinVar:

ClinVar aggregate classification (germline): Uncertain significance (1 of 4 stars; one submission).

Submission:

GeneDx
Classification: Uncertain significance. Last evaluated: 2026-04-23. Review status: criteria provided, single submitter. Criteria: GeneDx Variant Classification Process June 2021. Collection method: clinical testing. Allele origin: germline.
Comment: Not observed at significant frequency in large population cohorts (gnomAD); In-frame deletion of 3 amino acid(s) in a non-repeat region; In silico analysis suggests that this variant does not alter protein structure/function; Has not been previously published as pathogenic or benign to our knowledge

NM_001042681.2(RERE):c.4231_4239del (p.Ser1411_Pro1413del)

Gene: RERE (arginine-glutamic acid dipeptide repeats; minus strand). Cytogenetic location: 1p36.23.
Variant type: Deletion.
Coding change: c.4231_4239del on transcript NM_001042681.2 (MANE Select); coding-DNA positions 4231 to 4239, 9 bases deleted (AGCGATCCC; older notation c.4231_4239delAGCGATCCC).
Protein change: p.Ser1411_Pro1413del.
Molecular consequence: inframe deletion.
Genome position (GRCh38, 1-based): chr1:8,358,296-8,358,304, GGGATCGCT deleted on the plus strand (AGCGATCCC on the coding strand, the reverse complement: RERE is on the minus strand); deleting any 9 consecutive bases within chr1:8,358,296-8,358,306 gives the same sequence; the c. name uses the placement nearest the transcript's 3' end. VCF-style (leftmost placement, unchanged base first): chr1-8358295-GGGGATCGCT-G. GRCh37 (hg19) VCF-style: chr1-8418355-GGGGATCGCT-G.
Other names: c.2569_2577del, p.Ser857_Pro859del (NM_001042682.2); c.4231_4239del, p.Ser1411_Pro1413del (NM_012102.4).
Identifiers: ClinVar variation 5037479 (VCV005037479.1).
Genomic context (GRCh38, chr1:8,358,295, plus strand): 5'-AGTGAATGTGAGAGTGCTGGTGATGGTGCGGAGTCACGTTGAACATCTGCAGTCGGGCCA[GGGGATCGCT>G]GGTCAGCGATGCCATGCGCTCTGCGTGGATACGCTCGGCTGCCAGTCTGTCAGGGTAGCT-3'